The following is an entry in ClinVar:

ClinVar aggregate classification (germline): Uncertain significance. Review status: criteria provided, multiple submitters, no conflicts (2 of 4 stars). 2 submissions from 2 submitters: Uncertain significance (2). Last evaluated 2025-07-12.

gnomAD v4.1: 1 of 1,613,882 alleles (0.000062%); highest among the groups gnomAD compares: Non-Finnish European, 0.000085%; no homozygotes.

Submissions (2):

Mayo Clinic Laboratories, Mayo Clinic
Classification: Uncertain significance. Last evaluated: 2025-07-12. Review status: criteria provided, single submitter. Criteria: ACMG Guidelines, 2015. Collection method: clinical testing. Allele origin: germline. Observed: 1 variant allele.
Comment: PP3, PM2_supporting

Labcorp Genetics (formerly Invitae), Labcorp
Classification: Uncertain significance. Last evaluated: 2025-05-01. Review status: criteria provided, single submitter. Criteria: Invitae Variant Classification Sherloc (09022015). Collection method: clinical testing. Allele origin: germline.
Comment: This sequence change replaces asparagine, which is neutral and polar, with threonine, which is neutral and polar, at codon 2143 of the SZT2 protein (p.Asn2143Thr). This variant is not present in population databases (gnomAD no frequency). This variant has not been reported in the literature in individuals affected with SZT2-related conditions. Invitae Evidence Modeling of protein sequence and biophysical properties (such as structural, functional, and spatial information, amino acid conservation, physicochemical variation, residue mobility, and thermodynamic stability) indicates that this missense variant is expected to disrupt SZT2 protein function with a positive predictive value of 80%. In summary, the available evidence is currently insufficient to determine the role of this variant in disease. Therefore, it has been classified as a Variant of Uncertain Significance.

NM_001365999.1(SZT2):c.6599A>C (p.Asn2200Thr)

Gene: SZT2 (SZT2 subunit of KICSTOR complex; plus strand). Cytogenetic location: 1p34.2.
Variant type: single nucleotide variant.
Coding change: c.6599A>C on transcript NM_001365999.1 (MANE Select); coding-DNA position 6599, A replaced by C.
Protein change: p.Asn2200Thr; replaces asparagine 2200 with threonine.
Molecular consequence: missense variant.
Genome position (GRCh38, 1-based): chr1:43,438,789, A>C. VCF-style: chr1-43438789-A-C. GRCh37 (hg19) VCF-style: chr1-43904460-A-C.
Other names: p.Asn2143Thr; c.6428A>C, p.Asn2143Thr (NM_015284.4); short protein forms N2143T, N2200T.
Identifiers: ClinVar variation 4541054 (VCV004541054.2).